The following is an entry in ClinVar:

NM_001378120.1(MBD5):c.546T>G (p.Tyr182Ter)

Gene: MBD5 (methyl-CpG binding domain protein 5; plus strand). Cytogenetic location: 2q23.1.
Variant type: single nucleotide variant.
Coding change: c.546T>G on transcript NM_001378120.1 (MANE Select); coding-DNA position 546, T replaced by G.
Protein change: p.Tyr182Ter; replaces tyrosine 182 with a stop codon.
Molecular consequence: nonsense.
Genome position (GRCh38, 1-based): chr2:148,468,489, T>G. VCF-style: chr2-148468489-T-G. GRCh37 (hg19) VCF-style: chr2-149226058-T-G.
Other names: c.546T>G, p.Tyr182Ter (NM_018328.5); short protein forms Y182*.
Identifiers: ClinVar variation 620331 (VCV000620331.1), dbSNP rs1559085550, ClinGen allele CA348717033.

ClinVar aggregate classification (germline): Pathogenic (1 of 4 stars; one submission).

Submission:

GeneDx
Classification: Pathogenic. Last evaluated: 2018-09-04. Review status: criteria provided, single submitter. Criteria: GeneDx Variant Classification (06012015). Collection method: clinical testing. Allele origin: germline. Affected: yes.
Comment: The Y182X variant in the MBD5 gene has not been reported previously as a pathogenic variant nor as a benign variant, to our knowledge. This variant is predicted to cause loss of normal protein function either through protein truncation or nonsense-mediated mRNA decay. The Y182X variant is not observed in large population cohorts (Lek et al., 2016). We interpret Y182X as a pathogenic variant,